The following is an entry in ClinVar:

ClinVar aggregate classification (germline): Uncertain significance (1 of 4 stars; one submission).

Submission:

GeneDx
Classification: Uncertain significance. Last evaluated: 2024-07-24. Review status: criteria provided, single submitter. Criteria: GeneDx Variant Classification Process June 2021. Collection method: clinical testing. Allele origin: germline. Affected: yes.
Comment: Not observed at significant frequency in large population cohorts (gnomAD); In-frame deletion of 5 amino acids in a non-repeat region; In silico analysis supports a deleterious effect on protein structure/function; Has not been previously published as pathogenic or benign to our knowledge.

NM_001348716.2(KDM6B):c.4149_4163del (p.Ser1385_Gly1389del)

Genes: KDM6B (lysine demethylase 6B; plus strand), LOC121587574 (Sharpr-MPRA regulatory region 3930; plus strand). Cytogenetic location: 17p13.1.
Variant type: Deletion.
Coding change: c.4149_4163del on transcript NM_001348716.2 (MANE Select); coding-DNA positions 4149 to 4163, 15 bases deleted (CGGCAGCCGAACGCC).
Protein change: p.Ser1385_Gly1389del.
Genome position (GRCh38, 1-based): chr17:7,851,780-7,851,794, CGGCAGCCGAACGCC deleted; deleting any 15 consecutive bases within chr17:7,851,777-7,851,794 gives the same sequence; the c. name uses the placement nearest the transcript's 3' end. VCF-style (leftmost placement, unchanged base first): chr17-7851776-TGCCCGGCAGCCGAAC-T. GRCh37 (hg19) VCF-style: chr17-7755094-TGCCCGGCAGCCGAAC-T.
Other names: c.4149_4163del, p.Ser1385_Gly1389del (NM_001080424.2).
Identifiers: ClinVar variation 3600878 (VCV003600878.1).